The following is an entry in ClinVar:

ClinVar aggregate classification (germline): Uncertain significance (1 of 4 stars; one submission).

Submission:

GeneDx
Classification: Uncertain significance. Last evaluated: 2024-03-10. Review status: criteria provided, single submitter. Criteria: GeneDx Variant Classification Process June 2021. Collection method: clinical testing. Allele origin: germline. Affected: yes.
Comment: Not observed at significant frequency in large population cohorts (gnomAD); In-silico analysis is inconclusive as to whether the variant impacts protein structure/function. In the absence of functional studies, the actual effect of this sequence change is unknown; Has not been previously published as pathogenic or benign to our knowledge

NM_019066.5(MAGEL2):c.320T>G (p.Val107Gly)

Gene: MAGEL2 (MAGE family member L2; minus strand). Cytogenetic location: 15q11.2.
Variant type: single nucleotide variant.
Coding change: c.320T>G on transcript NM_019066.5 (MANE Select); coding-DNA position 320, T replaced by G.
Protein change: p.Val107Gly; replaces valine 107 with glycine.
Molecular consequence: missense variant.
Genome position (GRCh38, 1-based): chr15:23,647,423, A>C on the plus strand (T>G on the coding strand, the complement: MAGEL2 is on the minus strand). VCF-style: chr15-23647423-A-C. GRCh37 (hg19) VCF-style: chr15-23892570-A-C.
Other names: short protein forms V107G.
Identifiers: ClinVar variation 3370664 (VCV003370664.1).